The following is an entry in ClinVar:

ClinVar aggregate classification (germline): Uncertain significance. Review status: criteria provided, multiple submitters, no conflicts (2 of 4 stars). 3 submissions from 3 submitters: Uncertain significance (3). Last evaluated 2025-10-07.

Conditions:
Inborn genetic diseases. Identifiers: MedGen C0950123, MeSH D030342.
Hyperphosphatasia with impaired intellectual development syndrome 2. Also called: Hyperphosphatasia with intellectual disability syndrome 2; GLYCOSYLPHOSPHATIDYLINOSITOL BIOSYNTHESIS DEFECT 6. Identifiers: Orphanet 247262, MedGen C3553637, MONDO:0013882, OMIM 614749.

Allele frequency attached by ClinVar (database versions not stated): TOPMed 0.00001.

Submissions (3):

Ambry Genetics
Classification: Uncertain significance for Inborn genetic diseases. Last evaluated: 2025-10-07. Review status: criteria provided, single submitter. Criteria: Ambry Variant Classification Scheme 2023. Collection method: clinical testing. Allele origin: germline.

GeneDx
Classification: Uncertain significance. Last evaluated: 2023-12-29. Review status: criteria provided, single submitter. Criteria: GeneDx Variant Classification Process June 2021. Collection method: clinical testing. Allele origin: germline. Affected: yes.
Comment: Not observed at significant frequency in large population cohorts (gnomAD); In silico analysis supports that this missense variant has a deleterious effect on protein structure/function; Has not been previously published as pathogenic or benign to our knowledge

Labcorp Genetics (formerly Invitae), Labcorp
Classification: Uncertain significance for Hyperphosphatasia with impaired intellectual development syndrome 2. Last evaluated: 2022-08-16. Review status: criteria provided, single submitter. Criteria: Invitae Variant Classification Sherloc (09022015). Collection method: clinical testing. Allele origin: germline.
Comment: This sequence change replaces valine, which is neutral and non-polar, with alanine, which is neutral and non-polar, at codon 321 of the PIGO protein (p.Val321Ala). This variant is not present in population databases (gnomAD no frequency). This variant has not been reported in the literature in individuals affected with PIGO-related conditions. ClinVar contains an entry for this variant (Variation ID: 964367). Algorithms developed to predict the effect of missense changes on protein structure and function (SIFT, PolyPhen-2, Align-GVGD) all suggest that this variant is likely to be tolerated. In summary, the available evidence is currently insufficient to determine the role of this variant in disease. Therefore, it has been classified as a Variant of Uncertain Significance.

NM_032634.4(PIGO):c.962T>C (p.Val321Ala)

Gene: PIGO (phosphatidylinositol glycan anchor biosynthesis class O; minus strand). Cytogenetic location: 9p13.3.
Variant type: single nucleotide variant.
Coding change: c.962T>C on transcript NM_032634.4 (MANE Select); coding-DNA position 962, T replaced by C.
Protein change: p.Val321Ala; replaces valine 321 with alanine.
Molecular consequence: missense variant.
Genome position (GRCh38, 1-based): chr9:35,093,187, A>G on the plus strand (T>C on the coding strand, the complement: PIGO is on the minus strand). VCF-style: chr9-35093187-A-G. GRCh37 (hg19) VCF-style: chr9-35093184-A-G.
Other names: c.962T>C, p.Val321Ala (NM_001201484.2, NM_152850.4); short protein forms V321A.
Identifiers: ClinVar variation 964367 (VCV000964367.9), dbSNP rs1829514099, ClinGen allele CA373323106.